The following is an entry in ClinVar:

NM_000742.4(CHRNA2):c.922A>C (p.Thr308Pro)

Gene: CHRNA2 (cholinergic receptor nicotinic alpha 2 subunit; minus strand). Cytogenetic location: 8p21.2.
Variant type: single nucleotide variant.
Coding change: c.922A>C on transcript NM_000742.4 (MANE Select); coding-DNA position 922, A replaced by C.
Protein change: p.Thr308Pro; replaces threonine 308 with proline.
Molecular consequence: missense variant.
Genome position (GRCh38, 1-based): chr8:27,463,521, T>G on the plus strand (A>C on the coding strand, the complement: CHRNA2 is on the minus strand). VCF-style: chr8-27463521-T-G. GRCh37 (hg19) VCF-style: chr8-27321038-T-G.
Other names: c.877A>C, p.Thr293Pro (NM_001282455.2); c.445A>C, p.Thr149Pro (NM_001347705.2, NM_001347706.2); c.328A>C, p.Thr110Pro (NM_001347707.2, NM_001347708.2); short protein forms T308P, T293P, T110P, T149P.
Identifiers: ClinVar variation 658589 (VCV000658589.5), dbSNP rs1233767222, ClinGen allele CA370810266.

ClinVar aggregate classification (germline): Uncertain significance (1 of 4 stars; one submission).

Conditions:
Familial sleep-related hypermotor epilepsy. Also called: Autosomal Dominant Sleep-Related Hypermotor (Hyperkinetic) Epilepsy. Identifiers: Orphanet 98784, MedGen C3696898, MONDO:0000030.

Submission:

Labcorp Genetics (formerly Invitae), Labcorp
Classification: Uncertain significance. Last evaluated: 2018-12-06. Review status: criteria provided, single submitter. Criteria: Invitae Variant Classification Sherloc (09022015). Collection method: clinical testing. Allele origin: germline.
Comment: In summary, the available evidence is currently insufficient to determine the role of this variant in disease. Therefore, it has been classified as a Variant of Uncertain Significance. Algorithms developed to predict the effect of missense changes on protein structure and function are either unavailable or do not agree on the potential impact of this missense change (SIFT: "Deleterious"; PolyPhen-2: "Probably Damaging"; Align-GVGD: "Class C0"). This variant has not been reported in the literature in individuals with CHRNA2-related conditions. This variant is not present in population databases (ExAC no frequency). This sequence change replaces threonine with proline at codon 308 of the CHRNA2 protein (p.Thr308Pro). The threonine residue is highly conserved and there is a small physicochemical difference between threonine and proline.